The following is an entry in ClinVar:

NM_001372066.1(TFAP2A):c.1156C>T (p.His386Tyr)

Gene: TFAP2A (transcription factor AP-2 alpha; minus strand). Cytogenetic location: 6p24.3.
Variant type: single nucleotide variant.
Coding change: c.1156C>T on transcript NM_001372066.1 (MANE Select); coding-DNA position 1156, C replaced by T.
Protein change: p.His386Tyr; replaces histidine 386 with tyrosine.
Molecular consequence: missense variant.
Genome position (GRCh38, 1-based): chr6:10,398,581, G>A on the plus strand (C>T on the coding strand, the complement: TFAP2A is on the minus strand). VCF-style: chr6-10398581-G-A. GRCh37 (hg19) VCF-style: chr6-10398814-G-A.
Other names: NM_003220.2:c.1150C>T; c.1132C>T, p.His378Tyr (NM_001032280.3); c.1138C>T, p.His380Tyr (NM_001042425.3); short protein forms H378Y, H386Y, H380Y.
Identifiers: ClinVar variation 2299162 (VCV002299162.4), dbSNP rs2532348599, ClinGen allele CA362699216.

ClinVar aggregate classification (germline): Likely pathogenic. Review status: criteria provided, multiple submitters, no conflicts (2 of 4 stars). 2 submissions from 2 submitters: Likely pathogenic (2). Last evaluated 2025-05-19.

Conditions:
Inborn genetic diseases. Identifiers: MedGen C0950123, MeSH D030342.

Submissions (2):

GeneDx
Classification: Likely pathogenic. Last evaluated: 2025-05-19. Review status: criteria provided, single submitter. Criteria: GeneDx Variant Classification Process June 2021. Collection method: clinical testing. Allele origin: germline.
Comment: Published functional studies demonstrate a damaging effect on DNA binding and protein localization (PMID: 23578821); In silico analysis supports that this missense variant has a deleterious effect on protein structure/function; Not observed at significant frequency in large population cohorts (gnomAD); This variant is associated with the following publications: (PMID: 23578821, 22191992, 21204207)

Ambry Genetics
Classification: Likely pathogenic for Inborn genetic diseases. Last evaluated: 2022-07-26. Review status: criteria provided, single submitter. Criteria: Ambry Variant Classification Scheme 2023. Collection method: clinical testing. Allele origin: germline.
Comment: The c.1150C>T (p.H384Y) alteration is located in exon 7 (coding exon 7) of the TFAP2A gene. This alteration results from a C to T substitution at nucleotide position 1150, causing the histidine (H) at amino acid position 384 to be replaced by a tyrosine (Y). This variant was not reported in population-based cohorts in the Genome Aggregation Database (gnomAD). This alteration has been reported in a mother and her daughter with branchio-oculo-facial syndrome. The infant presented with anophthalmia/coloboma and subtle craniofacial symptoms and the mother had congenital cataracts and colobomas (Milunsky, 2011; Dumitrescu, 2012). This amino acid position is highly conserved in available vertebrate species. Functional studies demonstrated that the H384Y mutant had significantly reduced transcriptional activities (Li, 2013). This alteration is predicted to be deleterious by in silico analysis. Based on the available evidence, this alteration is classified as likely pathogenic.

Literature cited by the submitters: PubMed 21204207 (cited by Ambry Genetics); PubMed 22191992 (cited by Ambry Genetics); PubMed 23578821 (cited by Ambry Genetics).